The following is an entry in ClinVar:

NM_007294.4(BRCA1):c.3607C>T (p.Arg1203Ter)

Genes: BRCA1 (BRCA1 DNA repair associated; minus strand), LOC126862571 (BRD4-independent group 4 enhancer GRCh37_chr17:41243136-41244335; plus strand). Cytogenetic location: 17q21.31.
Variant type: single nucleotide variant.
Coding change: c.3607C>T on transcript NM_007294.4 (MANE Select); coding-DNA position 3607, C replaced by T.
Protein change: p.Arg1203Ter; replaces arginine 1203 with a stop codon.
Molecular consequence: nonsense. On other transcripts: intron variant (135).
Genome position (GRCh38, 1-based): chr17:43,091,924, G>A on the plus strand (C>T on the coding strand, the complement: BRCA1 is on the minus strand). VCF-style: chr17-43091924-G-A. GRCh37 (hg19) VCF-style: chr17-41243941-G-A.
Other names: p.R1203X:CGA>TGA; 3726C>T; c.3604C>T, p.Arg1202Ter (NM_001407614.1, NM_001407615.1, NM_001407627.1 and 22 more transcripts); c.3607C>T, p.Arg1203Ter (NM_001407616.1, NM_001407617.1, NM_001407618.1 and 30 more transcripts); c.3598C>T, p.Arg1200Ter (NM_001407646.1, NM_001407647.1); c.3484C>T, p.Arg1162Ter (NM_001407648.1, NM_001407664.1, NM_001407665.1 and 19 more transcripts); c.3481C>T, p.Arg1161Ter (NM_001407649.1, NM_001407670.1, NM_001407671.1 and 11 more transcripts); c.3529C>T, p.Arg1177Ter (NM_001407653.1, NM_001407654.1, NM_001407655.1 and 4 more transcripts); and 43 more; short protein forms R1203*, R1156*, R1075*, R1092*, R1155*, R1162*, R1177*, R1202*.
Identifiers: ClinVar variation 17671 (VCV000017671.120), dbSNP rs62625308, ClinGen allele CA002305.

ClinVar aggregate classification (germline): Pathogenic. Review status: reviewed by expert panel (3 of 4 stars). 56 submissions from 53 submitters: Pathogenic (1). 55 of the submissions do not count toward it. Last evaluated 2016-04-22.

Conditions:
Inherited ovarian cancer (without breast cancer).
Inherited breast cancer and ovarian cancer.
BRCA1-related cancer predisposition. Identifiers: MedGen CN377757, MONDO:0700268.
BRCA1-related disorder. Also called: BRCA1-related condition.
Fanconi anemia, complementation group S (FANCS). Identifiers: MedGen C4554406, MONDO:0054748, OMIM 617883.
Pancreatic cancer, susceptibility to, 4. Identifiers: Orphanet 1333, MedGen C3280442, MONDO:0013685, OMIM 614320.
Breast-ovarian cancer, familial, susceptibility to, 1 (BROVCA1). Also called: OVARIAN CANCER, SUSCEPTIBILITY TO; BRCA1 Hereditary Breast and Ovarian Cancer. Identifiers: Orphanet 145, MedGen C2676676, MONDO:0011450, OMIM 604370. Disease mechanism: loss of function.
Gastric cancer. Also called: Malignant tumor of stomach; Stomach cancer. Identifiers: MedGen C0024623, MeSH D013274, MONDO:0001056, OMIM 613659, HP:0012126.
Breast and/or ovarian cancer. Identifiers: MedGen CN221562.
Breast neoplasm. Also called: Breast Neoplasms; Neoplasm of breast; Breast tumor; Neoplasm of the breast. Identifiers: MedGen C1458155, MeSH D001943, MONDO:0021100, HP:0100013. Disease mechanism: gain of function.
Hereditary cancer-predisposing syndrome. Also called: Hereditary neoplastic syndrome; Hereditary Cancer Syndrome; Neoplastic Syndromes, Hereditary; Tumor predisposition. Identifiers: Orphanet 140162, MedGen C0027672, MeSH D009386, MONDO:0015356.
Ovarian cancer. Also called: OVARIAN CANCER, SOMATIC. Identifiers: Orphanet 213500, MedGen C1140680, MONDO:0008170, OMIM 167000.
Hereditary breast ovarian cancer syndrome. Also called: Hereditary breast and ovarian cancer syndrome; Hereditary breast and ovarian cancer syndrome (HBOC); Breast and ovarian cancer; Hereditary breast and/or ovarian cancer syndrome; BRCA1- and BRCA2-Associated Hereditary Breast and Ovarian Cancer; Hereditary breast and ovarian cancer. Identifiers: Orphanet 145, MedGen C0677776, MeSH D061325, MONDO:0003582. Disease mechanism: loss of function.
Malignant tumor of urinary bladder. Also called: Urinary bladder cancer; Urinary Bladder Neoplasms; Bladder cancer. Identifiers: MedGen C0005684, MONDO:0001187, OMIM 109800.
Ovarian neoplasm. Also called: Neoplasm of ovary; Ovarian Neoplasms; Ovarian tumor. Identifiers: MedGen C0919267, MeSH D010051, MONDO:0021068, HP:0100615.
Familial cancer of breast. Also called: hereditary breast carcinoma; BREAST CANCER, FAMILIAL; Hereditary breast cancer. Identifiers: Orphanet 227535, MedGen C0346153, MONDO:0016419, OMIM 114480. Disease mechanism: loss of function.
Ovarian carcinoma. Identifiers: MedGen C4721610, MONDO:0005140, HP:0025318.

Allele frequency attached by ClinVar (database versions not stated): gnomAD 0.00001; gnomAD exomes 0.00001.
gnomAD v4.1: 16 of 1,613,832 alleles (0.00099%); highest among the groups gnomAD compares: South Asian, 0.0033%; no homozygotes.

Submissions 1 to 11 of 56:

Evidence-based Network for the Interpretation of Germline Mutant Alleles (ENIGMA)
Classification: Pathogenic for Breast-ovarian cancer, familial, susceptibility to, 1. Last evaluated: 2016-04-22. Review status: reviewed by expert panel. Criteria: ENIGMA BRCA1/2 Classification Criteria (2015). Collection method: curation. Allele origin: germline.
Comment: Variant allele predicted to encode a truncated non-functional protein.

PreventionGenetics, part of Exact Sciences
Classification: Pathogenic for BRCA1-related condition. Last evaluated: 2026-08-06. Review status: criteria provided, single submitter. Criteria: ACMG Guidelines, 2015. Collection method: clinical testing. Allele origin: germline. Not counted in ClinVar's aggregate classification.
Comment: The BRCA1 c.3607C>T variant is predicted to result in premature protein termination (p.Arg1203*). This variant has been widely reported in individuals with hereditary breast and/or ovarian cancer (see for example, Table 2a, Friedman et al. 1994. PubMed ID: 7894493; Table 1, Meindl et al. 2002. PubMed ID: 11802209; Zhang et al. 2011. PubMed ID: 21324516; Table S2, Walsh et al. 2011. PubMed ID: 22006311). This variant was also reported as germline variant in a patient with renal cell carcinoma (Table S3, Santos et al. 2021. PubMed ID: 33442023). This variant is reported in 0.0055% of alleles in individuals of East Asian descent in gnomAD and it is interpreted as pathogenic in ClinVar (Variation ID: 17671). Nonsense variants in BRCA1 are expected to be pathogenic. Taken together, this variant is interpreted as pathogenic.

CeGaT Center for Human Genetics Tuebingen
Classification: Pathogenic. Last evaluated: 2026-07-01. Review status: criteria provided, single submitter. Criteria: CeGaT Center For Human Genetics Tuebingen Variant Classification Criteria Version 2. Collection method: clinical testing. Allele origin: germline. Affected: yes. Observed: 1 variant allele. Not counted in ClinVar's aggregate classification.
Comment: BRCA1: PVS1, PS4:Moderate, PM2:Supporting

Genetics Laboratory, Great Ormond Street Hospital NHS Foundation Trust, North Thames Genomic Laboratory Hub
Classification: Pathogenic for Inherited breast cancer and ovarian cancer. Last evaluated: 2026-03-25. Review status: criteria provided, single submitter. Criteria: CanVIG BRCA Gene Specific V1.22. Collection method: clinical testing. Allele origin: germline. Affected: yes. Not counted in ClinVar's aggregate classification.
Comment: PS4_strong, PM2_supporting, PVS1_very-strong, PM5_strong, PP4_very-strong

Genetics Laboratory, Great Ormond Street Hospital NHS Foundation Trust, North Thames Genomic Laboratory Hub
Classification: Pathogenic for Inherited ovarian cancer (without breast cancer). Last evaluated: 2026-03-25. Review status: criteria provided, single submitter. Criteria: CanVIG BRCA Gene Specific V1.22. Collection method: clinical testing. Allele origin: germline. Affected: yes. Not counted in ClinVar's aggregate classification.
Comment: the same text as in the submission from Genetics Laboratory, Great Ormond Street Hospital NHS Foundation Trust, North Thames Genomic Laboratory Hub above.

Labcorp Genetics (formerly Invitae), Labcorp
Classification: Pathogenic for Hereditary breast ovarian cancer syndrome. Last evaluated: 2026-01-24. Review status: criteria provided, single submitter. Criteria: Invitae Variant Classification Sherloc (09022015). Collection method: clinical testing. Allele origin: germline. Not counted in ClinVar's aggregate classification.
Comment: This sequence change creates a premature translational stop signal (p.Arg1203*) in the BRCA1 gene. It is expected to result in an absent or disrupted protein product. Loss-of-function variants in BRCA1 are known to be pathogenic (PMID: 20104584). This variant is present in population databases (rs62625308, gnomAD 0.006%). This premature translational stop signal has been observed in individual(s) with breast and ovarian cancer (PMID: 7894493, 21324516, 22006311, 22752604, 24010542). It has also been observed to segregate with disease in related individuals. This variant is also known as 3726C>T. ClinVar contains an entry for this variant (Variation ID: 17671). For these reasons, this variant has been classified as Pathogenic.

Center for Genomic Medicine, Rigshospitalet, Copenhagen University Hospital
Classification: Pathogenic. Last evaluated: 2025-12-29. Review status: criteria provided, single submitter. Criteria: ACMG Guidelines, 2015. Collection method: clinical testing. Allele origin: germline. Not counted in ClinVar's aggregate classification.

NHS Central & South Genomic Laboratory Hub
Classification: Pathogenic for Inherited ovarian cancer (without breast cancer). Last evaluated: 2025-09-25. Review status: criteria provided, single submitter. Criteria: ACMG Guidelines, 2015. Collection method: clinical testing. Allele origin: germline. Affected: yes. Not counted in ClinVar's aggregate classification.

Revvity Omics, Revvity
Classification: Pathogenic. Last evaluated: 2024-12-28. Review status: criteria provided, single submitter. Criteria: ACMG Guidelines, 2015. Collection method: clinical testing. Allele origin: germline. Not counted in ClinVar's aggregate classification.

Ambry Genetics
Classification: Pathogenic for Hereditary cancer-predisposing syndrome. Last evaluated: 2024-11-27. Review status: criteria provided, single submitter. Criteria: Ambry Variant Classification Scheme 2023. Collection method: clinical testing. Allele origin: germline. Not counted in ClinVar's aggregate classification.
Comment: The p.R1203* pathogenic mutation (also known as c.3607C>T), located in coding exon 9 of the BRCA1 gene, results from a C to T substitution at nucleotide position 3607. This changes the amino acid from an arginine to a stop codon within coding exon 9. This alteration has been reported in multiple families with breast and/or ovarian cancer across various ethnicities (Friedman LS et al. Nat. Genet. 1994 Dec;8:399-404; Zhang S et al. Gynecol. Oncol. 2011 May;121:353-7; Walsh T et al. Proc. Natl. Acad. Sci. U.S.A. 2011 Nov;108:18032-7; Juwle A et al. Med. Oncol. 2012 Dec;29:3272-81; Hirasawa A et al. Jpn. J. Clin. Oncol. 2014 Jan;44:49-56; Konstantopoulou I et al. Clin. Genet. 2014 Jan;85:36-42; Meisel C et al. Arch. Gynecol. Obstet. 2017 May;295:1227-1238). Of note, this alteration is also designated as 3726C>T in published literature. In addition to the clinical data presented in the literature, this alteration is expected to result in loss of function by premature protein truncation or nonsense-mediated mRNA decay. As such, this alteration is interpreted as a disease-causing mutation.

Blueprint Genetics
Classification: Pathogenic for BRCA1-related disorders. Last evaluated: 2024-10-31. Review status: criteria provided, single submitter. Criteria: ACMG Guidelines, 2015. Collection method: clinical testing. Allele origin: germline. Affected: yes. Observed: 5 variant alleles. Not counted in ClinVar's aggregate classification.